The following is an entry in ClinVar:

NM_017633.3(TENT5A):c.1292A>G (p.Gln431Arg)

Gene: TENT5A (terminal nucleotidyltransferase 5A; minus strand). Cytogenetic location: 6q14.1.
Variant type: single nucleotide variant.
Coding change: c.1292A>G on transcript NM_017633.3 (MANE Select); coding-DNA position 1292, A replaced by G.
Protein change: p.Gln431Arg; replaces glutamine 431 with arginine.
Molecular consequence: missense variant.
Genome position (GRCh38, 1-based): chr6:81,749,732, T>C on the plus strand (A>G on the coding strand, the complement: TENT5A is on the minus strand). VCF-style: chr6-81749732-T-C. GRCh37 (hg19) VCF-style: chr6-82459449-T-C.
Other names: c.1292A>G (NM_017633.2); short protein forms Q431R.
Identifiers: ClinVar variation 1680577 (VCV001680577.9), dbSNP rs376631603, ClinGen allele CA3902895.

ClinVar aggregate classification (germline): Uncertain significance. Review status: criteria provided, multiple submitters, no conflicts (2 of 4 stars). 2 submissions from 2 submitters: Uncertain significance (2). Last evaluated 2024-02-05.

Allele frequency attached by ClinVar (database versions not stated): gnomAD exomes below 0.00001; ExAC 0.00001.

Submissions (2):

Ambry Genetics
Classification: Uncertain significance. Last evaluated: 2024-02-05. Review status: criteria provided, single submitter. Criteria: Ambry Variant Classification Scheme 2023. Collection method: clinical testing. Allele origin: germline.

Labcorp Genetics (formerly Invitae), Labcorp
Classification: Uncertain significance. Last evaluated: 2021-05-03. Review status: criteria provided, single submitter. Criteria: Invitae Variant Classification Sherloc (09022015). Collection method: clinical testing. Allele origin: germline.
Comment: This sequence change replaces glutamine with arginine at codon 431 of the FAM46A protein (p.Gln431Arg). The glutamine residue is highly conserved and there is a small physicochemical difference between glutamine and arginine. This variant is present in population databases (rs376631603, ExAC 0.009%). This variant has not been reported in the literature in individuals with FAM46A-related conditions. Algorithms developed to predict the effect of missense changes on protein structure and function are either unavailable or do not agree on the potential impact of this missense change (SIFT: "Deleterious"; PolyPhen-2: "Benign"; Align-GVGD: "Class C0"). In summary, the available evidence is currently insufficient to determine the role of this variant in disease. Therefore, it has been classified as a Variant of Uncertain Significance.